The following is an entry in ClinVar:

ClinVar aggregate classification (germline): Benign (1 of 4 stars; one submission).

Allele frequency attached by ClinVar (database versions not stated): 1000 Genomes Project 0.39996; 1000 Genomes Project 30x 0.40006; TOPMed 0.46023; gnomAD 0.47225 and 0.47230.
gnomAD v4.1: 71,770 of 151,832 alleles (47%); highest among the groups gnomAD compares: Middle Eastern, 56%; 17,775 homozygotes.

Submission:

GeneDx
Classification: Benign. Last evaluated: 2018-06-14. Review status: criteria provided, single submitter. Criteria: GeneDx Variant Classification (06012015). Collection method: clinical testing. Allele origin: germline. Affected: yes.
Comment: This variant is considered likely benign or benign based on one or more of the following criteria: it is a conservative change, it occurs at a poorly conserved position in the protein, it is predicted to be benign by multiple in silico algorithms, and/or has population frequency not consistent with disease.

NM_002180.3(IGHMBP2):c.2785-243C>T

Gene: IGHMBP2 (immunoglobulin mu DNA binding protein 2; plus strand). Cytogenetic location: 11q13.3.
Variant type: single nucleotide variant.
Coding change: c.2785-243C>T on transcript NM_002180.3 (MANE Select); 243 bases into the intron before coding-DNA position 2785, C replaced by T.
Molecular consequence: intron variant.
Genome position (GRCh38, 1-based): chr11:68,939,291, C>T. VCF-style: chr11-68939291-C-T. GRCh37 (hg19) VCF-style: chr11-68706759-C-T.
Identifiers: ClinVar variation 681882 (VCV000681882.1), dbSNP rs665258, ClinGen allele CA13486147.